The following is an entry in ClinVar:

ClinVar aggregate classification (germline): Uncertain significance. Review status: criteria provided, multiple submitters, no conflicts (2 of 4 stars). 2 submissions from 2 submitters: Uncertain significance (2). Last evaluated 2025-03-23.

Conditions:
Inborn genetic diseases. Identifiers: MedGen C0950123, MeSH D030342.

Allele frequency attached by ClinVar (database versions not stated): gnomAD exomes below 0.00001.
gnomAD v4.1: 2 of 1,611,966 alleles (0.00012%); highest among the groups gnomAD compares: Admixed American, 0.0017%; no homozygotes.

Submissions (2):

Ambry Genetics
Classification: Uncertain significance for Inborn genetic diseases. Last evaluated: 2025-03-23. Review status: criteria provided, single submitter. Criteria: Ambry Variant Classification Scheme 2023. Collection method: clinical testing. Allele origin: germline.

Labcorp Genetics (formerly Invitae), Labcorp
Classification: Uncertain significance. Last evaluated: 2022-06-29. Review status: criteria provided, single submitter. Criteria: Invitae Variant Classification Sherloc (09022015). Collection method: clinical testing. Allele origin: germline.
Comment: This sequence change replaces glutamic acid, which is acidic and polar, with lysine, which is basic and polar, at codon 630 of the TRAF3IP1 protein (p.Glu630Lys). This variant is present in population databases (no rsID available, gnomAD 0.003%). This variant has not been reported in the literature in individuals affected with TRAF3IP1-related conditions. Algorithms developed to predict the effect of missense changes on protein structure and function (SIFT, PolyPhen-2, Align-GVGD) all suggest that this variant is likely to be tolerated. In summary, the available evidence is currently insufficient to determine the role of this variant in disease. Therefore, it has been classified as a Variant of Uncertain Significance.

NM_015650.4(TRAF3IP1):c.1888G>A (p.Glu630Lys)

Gene: TRAF3IP1 (TRAF3 interacting protein 1; plus strand). Cytogenetic location: 2q37.3.
Variant type: single nucleotide variant.
Coding change: c.1888G>A on transcript NM_015650.4 (MANE Select); coding-DNA position 1888, G replaced by A.
Protein change: p.Glu630Lys; replaces glutamic acid 630 with lysine.
Molecular consequence: missense variant.
Genome position (GRCh38, 1-based): chr2:238,397,657, G>A. VCF-style: chr2-238397657-G-A. GRCh37 (hg19) VCF-style: chr2-239306298-G-A.
Other names: c.1690G>A, p.Glu564Lys (NM_001139490.1); c.1888G>A (NM_015650.3); short protein forms E564K, E630K.
Identifiers: ClinVar variation 1955378 (VCV001955378.5), dbSNP rs1263534166, ClinGen allele CA351246787.